The following is an entry in ClinVar:

ClinVar aggregate classification (germline): Pathogenic/Likely pathogenic. Review status: criteria provided, multiple submitters, no conflicts (2 of 4 stars). 5 submissions from 5 submitters: Pathogenic (1); Likely pathogenic (4). Last evaluated 2025-11-16.

Conditions:
Citrullinemia. Identifiers: Orphanet 187, MedGen C0175683, MONDO:0015991.
Citrullinemia type I (CTNL1). Also called: ASS DEFICIENCY; argininosuccinate synthetase deficiency. Identifiers: Orphanet 247525, MedGen C4721769, MONDO:0008988, OMIM 215700.

gnomAD v4.1: 5 of 1,614,008 alleles (0.00031%); highest among the groups gnomAD compares: Admixed American, 0.005%; no homozygotes.

Submissions (5):

Natera, Inc.
Classification: Likely pathogenic for Citrullinemia type I. Last evaluated: 2025-11-16. Review status: criteria provided, single submitter. Criteria: Natera Variant Classification Schema (03/2026). Collection method: clinical testing. Allele origin: germline.
Comment: The c.539G>T variant in ASS1 is a missense variant predicted to cause substitution of serine to isoleucine at amino acid 180. This variant is rare in the general population with a frequency below the threshold expected for the associated phenotype(s). This variant has been observed in one or more individuals affected with the associated recessive disease, as either homozygous or compound heterozygous with a second variant (PMID: 24889030). A different variant at the same position has been determined to be Pathogenic or Likely Pathogenic. Computational prediction algorithms indicate this variant is likely to affect gene or protein function. Given the available evidence, this variant is classified as Likely Pathogenic.

Labcorp Genetics (formerly Invitae), Labcorp
Classification: Pathogenic for Citrullinemia. Last evaluated: 2025-05-05. Review status: criteria provided, single submitter. Criteria: Invitae Variant Classification Sherloc (09022015). Collection method: clinical testing. Allele origin: germline.
Comment: This sequence change replaces serine, which is neutral and polar, with isoleucine, which is neutral and non-polar, at codon 180 of the ASS1 protein (p.Ser180Ile). The frequency data for this variant in the population databases is considered unreliable, as metrics indicate poor data quality at this position in the gnomAD database. This missense change has been observed in individual(s) with clinical features of citrullinemia type I (internal data). ClinVar contains an entry for this variant (Variation ID: 458674). Invitae Evidence Modeling of protein sequence and biophysical properties (such as structural, functional, and spatial information, amino acid conservation, physicochemical variation, residue mobility, and thermodynamic stability) indicates that this missense variant is expected to disrupt ASS1 protein function with a positive predictive value of 80%. Experimental studies have shown that this missense change affects ASS1 function (PMID: 27287393). This variant disrupts the p.Ser180 amino acid residue in ASS1. Other variant(s) that disrupt this residue have been determined to be pathogenic (PMID: 2358466; internal data). This suggests that this residue is clinically significant, and that variants that disrupt this residue are likely to be disease-causing. For these reasons, this variant has been classified as Pathogenic.

GeneDx
Classification: Likely pathogenic. Last evaluated: 2024-02-06. Review status: criteria provided, single submitter. Criteria: GeneDx Variant Classification Process June 2021. Collection method: clinical testing. Allele origin: germline. Affected: yes.
Comment: Has been observed in a prenatal sample with a second missense variant in fetus with carrier parents and a sibling with citrullinemia (PMID: 24889030); Published functional studies suggest a damaging effect with this variant resulting in impaired activity (PMID: 27287393); Not observed at significant frequency in large population cohorts (gnomAD); In silico analysis supports that this missense variant has a deleterious effect on protein structure/function; This variant is associated with the following publications: (PMID: 27287393, 2358466, 24889030)

Fulgent Genetics
Classification: Likely pathogenic for Citrullinemia type I. Last evaluated: 2024-01-13. Review status: criteria provided, single submitter. Criteria: ACMG Guidelines, 2015. Collection method: clinical testing. Allele origin: germline.

Mayo Clinic Laboratories, Mayo Clinic
Classification: Likely pathogenic. Last evaluated: 2021-10-18. Review status: criteria provided, single submitter. Criteria: ACMG Guidelines, 2015. Collection method: clinical testing. Allele origin: germline.
Comment: PP3, PM2, PM3, PM5, PS3

Literature cited by the submitters: PubMed 24889030 (cited by Natera, Inc. and Mayo Clinic Laboratories, Mayo Clinic); PubMed 27287393 (cited by Labcorp Genetics (formerly Invitae), Labcorp and Mayo Clinic Laboratories, Mayo Clinic); PubMed 2358466 (cited by Labcorp Genetics (formerly Invitae), Labcorp).

NM_054012.4(ASS1):c.539G>T (p.Ser180Ile)

Gene: ASS1 (argininosuccinate synthase 1; plus strand). Cytogenetic location: 9q34.11.
Variant type: single nucleotide variant.
Coding change: c.539G>T on transcript NM_054012.4 (MANE Select); coding-DNA position 539, G replaced by T.
Protein change: p.Ser180Ile; replaces serine 180 with isoleucine.
Molecular consequence: missense variant.
Genome position (GRCh38, 1-based): chr9:130,470,877, G>T. VCF-style: chr9-130470877-G-T. GRCh37 (hg19) VCF-style: chr9-133346264-G-T.
Other names: p.Ser180Ile; c.539G>T, p.Ser180Ile (NM_000050.4); short protein forms S180I.
Identifiers: ClinVar variation 458674 (VCV000458674.21), dbSNP rs121908638, ClinGen allele CA375227223.